The following is an entry in ClinVar:

ClinVar aggregate classification (germline): Uncertain significance. Review status: criteria provided, multiple submitters, no conflicts (2 of 4 stars). 2 submissions from 2 submitters: Uncertain significance (2). Last evaluated 2026-05-21.

Conditions:
Pancreatic adenocarcinoma. Identifiers: MedGen C0281361, MONDO:0006047, HP:0006725.

Submissions (2):

Ambry Genetics
Classification: Uncertain significance. Last evaluated: 2026-05-21. Review status: criteria provided, single submitter. Criteria: Ambry Variant Classification Scheme 2023. Collection method: clinical testing. Allele origin: germline.
Comment: The p.E78Q variant (also known as c.232G>C), located in coding exon 1 of the PALLD gene, results from a G to C substitution at nucleotide position 232. The glutamic acid at codon 78 is replaced by glutamine, an amino acid with highly similar properties. This amino acid position is conserved. In addition, this alteration is predicted to be tolerated by in silico analysis. Based on the available evidence, the clinical significance of this variant remains unclear.

Labcorp Genetics (formerly Invitae), Labcorp
Classification: Uncertain significance for Pancreatic adenocarcinoma. Last evaluated: 2025-03-13. Review status: criteria provided, single submitter. Criteria: Invitae Variant Classification Sherloc (09022015). Collection method: clinical testing. Allele origin: germline.
Comment: This sequence change replaces glutamic acid, which is acidic and polar, with glutamine, which is neutral and polar, at codon 78 of the PALLD protein (p.Glu78Gln). This variant is not present in population databases (gnomAD no frequency). This variant has not been reported in the literature in individuals affected with PALLD-related conditions. An algorithm developed to predict the effect of missense changes on protein structure and function (PolyPhen-2) suggests that this variant is likely to be tolerated. In summary, the available evidence is currently insufficient to determine the role of this variant in disease. Therefore, it has been classified as a Variant of Uncertain Significance.

NM_001166108.2(PALLD):c.1965-12799G>C

Gene: PALLD (palladin, cytoskeletal associated protein; plus strand). Cytogenetic location: 4q32.3.
Variant type: single nucleotide variant.
Coding change: c.1965-12799G>C on transcript NM_001166108.2 (MANE Select); 12799 bases into the intron before coding-DNA position 1965, G replaced by C.
Molecular consequence: intron variant. On other transcripts: missense variant (1).
Genome position (GRCh38, 1-based): chr4:168,878,123, G>C. VCF-style: chr4-168878123-G-C. GRCh37 (hg19) VCF-style: chr4-169799274-G-C.
Other names: c.232G>C, p.Glu78Gln (NM_001166110.2); c.1965-12799G>C (NM_016081.4); c.819-12799G>C (NM_001166109.2); c.-157-12799G>C (NM_001367570.1, NM_001367568.1, NM_001367567.1 and 1 more transcripts); c.232G>C (NM_001166110.1); short protein forms E78Q.
Identifiers: ClinVar variation 4806358 (VCV004806358.2).
Genomic context (GRCh38, chr4:168,878,123, plus strand): 5'-CCGAGGCAGTTCGGCCGCGCCCCCGTGCCGCCCTTCGCGCAGCCCTTCGGCGCTGAGCCC[G>C]AGGCCCCGTGGGGCTCCTCCTCGCCGTCGCCCCCGCCCCCGCCACCCCCGGTCTTCAGCC-3'